The following is an entry in ClinVar:

NC_000015.9:g.(?_32976738)_(33023456_?)dup

Genes: ARHGAP11A-SCG5 (ARHGAP11A-SCG5 readthrough; plus strand), GREM1 (gremlin 1, DAN family BMP antagonist; plus strand), GREM1-AS1 (GREM1 antisense RNA 1; minus strand), SCG5 (secretogranin V; plus strand), LOC125078054 (Sharpr-MPRA regulatory region 2498; plus strand). Cytogenetic location: 15q13.3.
Variant type: Duplication.
Identifiers: ClinVar variation 656826 (VCV000656826.3).

ClinVar aggregate classification (germline): Uncertain significance (1 of 4 stars; one submission).

Conditions:
Familial colorectal cancer. Identifiers: MedGen CN280943, MONDO:0023113. Disease mechanism: loss of function.

Submission:

Labcorp Genetics (formerly Invitae), Labcorp
Classification: Uncertain significance for Familial colorectal cancer. Last evaluated: 2019-05-24. Review status: criteria provided, single submitter. Criteria: Invitae Variant Classification Sherloc (09022015). Collection method: clinical testing. Allele origin: germline.
Comment: This variant results in a copy number gain of the genomic region encompassing the promoter of the GREM1 gene. The precise boundaries of this event are unknown. Two different tandem duplications (40 kb and 16 kb) spanning the 3' end of the SCG5 gene and the region upstream of the GREM1 gene have been reported in families with hereditary mixed polyposis syndrome (PMID: 22561515, 25992589, 26493165). However, the variant identified in this individual occurs further upstream of those variants, and the impact of the this duplicated sequence on GREM1 expression and function has not been established. In summary, the available evidence is currently insufficient to determine the role of this variant in disease. Therefore, it has been classified as a Variant of Uncertain Significance.

Literature cited by the submitters: PubMed 22561515; PubMed 25992589; PubMed 26493165.